The following is an entry in ClinVar:

NM_014495.4(ANGPTL3):c.379C>T (p.Leu127Phe)

Genes: ANGPTL3 (angiopoietin like 3; plus strand), DOCK7 (dedicator of cytokinesis 7; minus strand). Cytogenetic location: 1p31.3.
Variant type: single nucleotide variant.
Coding change: c.379C>T on transcript NM_014495.4 (MANE Select); coding-DNA position 379, C replaced by T.
Protein change: p.Leu127Phe; replaces leucine 127 with phenylalanine.
Molecular consequence: missense variant. On other transcripts: intron variant (7).
Genome position (GRCh38, 1-based): chr1:62,597,945, C>T. VCF-style: chr1-62597945-C-T. GRCh37 (hg19) VCF-style: chr1-63063616-C-T.
Other names: c.1683-11321G>A (NM_001272001.2, NM_001272000.2, NM_033407.4 and 4 more transcripts); short protein forms L127F.
Identifiers: ClinVar variation 377251 (VCV000377251.45), dbSNP rs72649573, ClinGen allele CA886568.

ClinVar aggregate classification (germline): Benign/Likely benign. Review status: criteria provided, multiple submitters, no conflicts (2 of 4 stars). 6 submissions from 6 submitters: Benign (1); Likely benign (5). Last evaluated 2026-08-01.

Conditions:
Developmental and epileptic encephalopathy, 23 (DEE23). Also called: Epileptic encephalopathy, early infantile, 23. Identifiers: Orphanet 411986, MedGen C4014492, MONDO:0014371, OMIM 615859.

Allele frequency attached by ClinVar (database versions not stated): 1000 Genomes Project 30x 0.00187; 1000 Genomes Project 0.00200; TOPMed 0.00461; gnomAD 0.00567 and 0.00591; ESP Exome Variant Server 0.00616; gnomAD exomes 0.00696 and 0.00780; ExAC 0.00760.
gnomAD v4.1: 11,654 of 1,551,320 alleles (0.75%); highest among the groups gnomAD compares: Non-Finnish European, 0.89%; 58 homozygotes.

Submissions (6):

CeGaT Center for Human Genetics Tuebingen
Classification: Likely benign. Last evaluated: 2026-08-01. Review status: criteria provided, single submitter. Criteria: CeGaT Center For Human Genetics Tuebingen Variant Classification Criteria Version 2. Collection method: clinical testing. Allele origin: germline. Affected: yes. Observed: 43 variant alleles.
Comment: DOCK7: BS2; ANGPTL3: BP4, BS2

Labcorp Genetics (formerly Invitae), Labcorp
Classification: Benign. Last evaluated: 2026-01-19. Review status: criteria provided, single submitter. Criteria: Invitae Variant Classification Sherloc (09022015). Collection method: clinical testing. Allele origin: germline.

GeneDx
Classification: Likely benign. Last evaluated: 2024-09-13. Review status: criteria provided, single submitter. Criteria: GeneDx Variant Classification Process June 2021. Collection method: clinical testing. Allele origin: germline. Affected: yes.
Comment: See Variant Classification Assertion Criteria.

Genome-Nilou Lab
Classification: Likely benign for Developmental and epileptic encephalopathy, 23. Last evaluated: 2023-04-11. Review status: criteria provided, single submitter. Criteria: ACMG Guidelines, 2015. Collection method: clinical testing. Allele origin: germline. Affected: no.

Center for Pediatric Genomic Medicine, Children's Mercy Hospital and Clinics
Classification: Likely benign. Last evaluated: 2017-01-09. Review status: criteria provided, single submitter. Criteria: ACMG Guidelines, 2015. Collection method: clinical testing. Allele origin: germline.
ClinVar note: Converted during submission from Likely Benign to Likely benign.

Breakthrough Genomics
Classification: Likely benign. Review status: criteria provided, single submitter. Criteria: ACMG Guidelines, 2015. Collection method: not provided. Allele origin: germline. Inheritance: Autosomal recessive inheritance. Affected: yes.